The following is an entry in ClinVar:

ClinVar aggregate classification (germline): Uncertain significance (1 of 4 stars; one submission).

Conditions:
Inborn genetic diseases. Identifiers: MedGen C0950123, MeSH D030342.

gnomAD v4.1: 1 of 1,613,444 alleles (0.000062%); highest among the groups gnomAD compares: Non-Finnish European, 0.000085%; no homozygotes.

Submission:

Ambry Genetics
Classification: Uncertain significance for Inborn genetic diseases. Last evaluated: 2025-01-07. Review status: criteria provided, single submitter. Criteria: Ambry Variant Classification Scheme 2023. Collection method: clinical testing. Allele origin: germline.
Comment: The p.G292D variant (also known as c.875G>A), located in coding exon 3 of the GATA2 gene, results from a G to A substitution at nucleotide position 875. The glycine at codon 292 is replaced by aspartic acid, an amino acid with similar properties. This amino acid position is conserved. In addition, this alteration is predicted to be deleterious by in silico analysis. Based on the available evidence, the clinical significance of this variant remains unclear.

NM_032638.5(GATA2):c.875G>A (p.Gly292Asp)

Gene: GATA2 (GATA binding protein 2; minus strand). Cytogenetic location: 3q21.3.
Variant type: single nucleotide variant.
Coding change: c.875G>A on transcript NM_032638.5 (MANE Select); coding-DNA position 875, G replaced by A.
Protein change: p.Gly292Asp; replaces glycine 292 with aspartic acid.
Molecular consequence: missense variant.
Genome position (GRCh38, 1-based): chr3:128,484,002, C>T on the plus strand (G>A on the coding strand, the complement: GATA2 is on the minus strand). VCF-style: chr3-128484002-C-T. GRCh37 (hg19) VCF-style: chr3-128202845-C-T.
Other names: c.875G>A, p.Gly292Asp (NM_001145661.2, NM_001145662.1); short protein forms G292D.
Identifiers: ClinVar variation 3853019 (VCV003853019.1).